The following is an entry in ClinVar:

NC_000003.11:g.(?_3179743)_(3189406_?)del

Gene: TRNT1 (tRNA nucleotidyl transferase 1; plus strand). Cytogenetic location: 3p26.2.
Variant type: Deletion.
Identifiers: ClinVar variation 1348682 (VCV001348682.2).

ClinVar aggregate classification (germline): Likely pathogenic (1 of 4 stars; one submission).

Conditions:
Congenital sideroblastic anemia-B-cell immunodeficiency-periodic fever-developmental delay syndrome. Also called: Sideroblastic anemia with B-cell immunodeficiency, periodic fevers, and developmental delay. Identifiers: Orphanet 369861, MedGen C4015172, MONDO:0014487, OMIM 616084.

Submission:

Labcorp Genetics (formerly Invitae), Labcorp
Classification: Likely pathogenic for Congenital sideroblastic anemia-B-cell immunodeficiency-periodic fever-developmental delay syndrome. Last evaluated: 2021-06-15. Review status: criteria provided, single submitter. Criteria: Invitae Variant Classification Sherloc (09022015). Collection method: clinical testing. Allele origin: germline.
Comment: In summary, the currently available evidence indicates that the variant is pathogenic, but additional data are needed to prove that conclusively. Therefore, this variant has been classified as Likely Pathogenic. This variant disrupts the p.Ile223 amino acid residue in TRNT1. Other variant(s) that disrupt this residue have been determined to be pathogenic (PMID: 25193871, 29055896, 29358286, 27370603). This suggests that this residue is clinically significant, and that variants that disrupt this residue are likely to be disease-causing. This variant has not been reported in the literature in individuals with TRNT1-related conditions. This variant is a gross deletion of the genomic region encompassing exon(s) 4-7 of the TRNT1 gene. This variant would be expected to be in-frame, preserving the integrity of the reading frame.

Literature cited by the submitters: PubMed 25193871; PubMed 29055896; PubMed 29358286; PubMed 27370603.